The following is an entry in ClinVar:

NM_000059.4(BRCA2):c.9364G>A (p.Ala3122Thr)

Gene: BRCA2 (BRCA2 DNA repair associated; plus strand). Cytogenetic location: 13q13.1.
Variant type: single nucleotide variant.
Coding change: c.9364G>A on transcript NM_000059.4 (MANE Select); coding-DNA position 9364, G replaced by A.
Protein change: p.Ala3122Thr; replaces alanine 3122 with threonine.
Molecular consequence: missense variant.
Genome position (GRCh38, 1-based): chr13:32,394,796, G>A. VCF-style: chr13-32394796-G-A. GRCh37 (hg19) VCF-style: chr13-32968933-G-A.
Other names: short protein forms A3122T.
Identifiers: ClinVar variation 142215 (VCV000142215.35), dbSNP rs587782313, ClinGen allele CA026116.

ClinVar aggregate classification (germline): Conflicting classifications of pathogenicity. Review status: criteria provided, conflicting classifications (1 of 4 stars). 12 submissions from 12 submitters: Uncertain significance (3); Likely benign (6). 3 of the submissions do not count toward it. Last evaluated 2026-04-10.

Conditions:
Hereditary cancer-predisposing syndrome. Also called: Tumor predisposition; Hereditary Cancer Syndrome; Neoplastic Syndromes, Hereditary; Hereditary neoplastic syndrome. Identifiers: Orphanet 140162, MedGen C0027672, MeSH D009386, MONDO:0015356.
Hereditary breast ovarian cancer syndrome. Also called: Breast and ovarian cancer; Hereditary breast and/or ovarian cancer syndrome; Hereditary breast and ovarian cancer syndrome (HBOC); BRCA1- and BRCA2-Associated Hereditary Breast and Ovarian Cancer; Hereditary breast and ovarian cancer; Hereditary breast and ovarian cancer syndrome. Identifiers: Orphanet 145, MedGen C0677776, MeSH D061325, MONDO:0003582. Disease mechanism: loss of function.
Breast-ovarian cancer, familial, susceptibility to, 2 (BROVCA2). Also called: BRCA2 Hereditary Breast and Ovarian Cancer. Identifiers: Orphanet 145, MedGen C2675520, MONDO:0012933, OMIM 612555. Disease mechanism: loss of function.
Malignant tumor of breast. Also called: Malignant breast neoplasm; Cancer breast. Identifiers: MedGen C0006142, MONDO:0007254. Disease mechanism: loss of function.

Allele frequency attached by ClinVar (database versions not stated): gnomAD below 0.00001 and 0.00001; TOPMed below 0.00001; gnomAD exomes 0.00005 and 0.00010; ExAC 0.00008.
gnomAD v4.1: 68 of 1,613,936 alleles (0.0042%); highest among the groups gnomAD compares: South Asian, 0.048%; no homozygotes.

Submissions (12):

Women's Health and Genetics/Laboratory Corporation of America, LabCorp
Classification: Uncertain significance. Last evaluated: 2026-04-10. Review status: criteria provided, single submitter. Criteria: LabCorp Variant Classification Summary - May 2015. Collection method: clinical testing. Allele origin: germline.
Comment: Variant summary: BRCA2 c.9364G>A (p.Ala3122Thr) results in a non-conservative amino acid change in the encoded protein sequence. Algorithms developed to predict the effect of missense changes on protein structure and function all suggest that this variant is likely to be disruptive. The variant allele was found at a frequency of 0.0001 in 251328 control chromosomes, predominantly at a frequency of 0.00072 within the South Asian subpopulation in the gnomAD database. This frequency is not significantly higher than estimated for disease-causing variants in BRCA2, allowing no conclusion about variant significance. c.9364G>A has been observed in the presumed heterozygous state in numerous individual(s) affected with clinical features of primarily Hereditary Breast And Ovarian Cancer Syndrome or, rarely, prostate cancer without strong evidence for causality (example, Santonocito_2020, Abu-Helalah_2020, Salmi_2020 and Dorling_2021, Lila_2024, Brianese_2018, Fortuno_2024, Shohdy_2025, Bucalo_2023, Duzkale_2024). These report(s) do not provide unequivocal conclusions about association of the variant with Hereditary Breast And Ovarian Cancer Syndrome. Co-occurrences with other pathogenic variant(s) have been reported (BRCA1 c.548_593dup, p.Ser198ArgfsX3; BRCA2 c.7235insG, p.Thr2412SerfsX2; BRCA2 c.5610delC, p.Phe1870leufsX4), providing supporting evidence for a benign role. To our knowledge, no experimental evidence demonstrating an impact on protein function has been reported. The following publications have been ascertained in the context of this evaluation (PMID: 33067490, 23697973, 33471991, 34242281, 32438681, 22425665, 39733403, 29116469, 39402389, 40714512, 37262986, 39451174). ClinVar contains an entry for this variant (Variation ID: 142215). Based on the evidence outlined above, the variant was classified as VUS-possibly benign.

Labcorp Genetics (formerly Invitae), Labcorp
Classification: Likely benign for Hereditary breast ovarian cancer syndrome. Last evaluated: 2026-01-17. Review status: criteria provided, single submitter. Criteria: Invitae Variant Classification Sherloc (09022015). Collection method: clinical testing. Allele origin: germline.

Quest Diagnostics Nichols Institute San Juan Capistrano
Classification: Likely benign. Last evaluated: 2025-04-15. Review status: criteria provided, single submitter. Criteria: Quest Diagnostics criteria. Collection method: clinical testing. Allele origin: unknown.

Center for Genomic Medicine, Rigshospitalet, Copenhagen University Hospital
Classification: Likely benign. Last evaluated: 2025-03-04. Review status: criteria provided, single submitter. Criteria: ACMG Guidelines, 2015. Collection method: clinical testing. Allele origin: germline.

Blueprint Genetics
Classification: Likely benign. Last evaluated: 2024-05-07. Review status: criteria provided, single submitter. Criteria: ACMG Guidelines, 2015. Collection method: clinical testing. Allele origin: germline.

Revvity Omics, Revvity
Classification: Uncertain significance. Last evaluated: 2023-05-09. Review status: criteria provided, single submitter. Criteria: ACMG Guidelines, 2015. Collection method: clinical testing. Allele origin: germline.

Ambry Genetics
Classification: Likely benign for Hereditary cancer-predisposing syndrome. Last evaluated: 2020-06-19. Review status: criteria provided, single submitter. Criteria: Ambry Variant Classification Scheme 2023. Collection method: clinical testing. Allele origin: germline.

Color Diagnostics, LLC DBA Color Health
Classification: Likely benign for Hereditary cancer-predisposing syndrome. Last evaluated: 2017-01-16. Review status: criteria provided, single submitter. Criteria: ACMG Guidelines, 2015. Collection method: clinical testing. Allele origin: germline.

GeneDx
Classification: Uncertain significance. Last evaluated: 2016-08-25. Review status: criteria provided, single submitter. Criteria: GeneDx Variant Classification (06012015). Collection method: clinical testing. Allele origin: germline. Affected: yes.
Comment: This variant is denoted BRCA2 c.9364G>A at the cDNA level, p.Ala3122Thr (A3122T) at the protein level, and results in the change of an Alanine to a Threonine (GCA>ACA). Using alternate nomenclature, this variant has been previously published as BRCA2 9592G>A. BRCA2 Ala3122Thr was observed in two unrelated Moroccan patients with familial breast cancer and was reported to co-occur with the same pathogenic variant in BRCA2 in both patients (Tazzite 2012). BRCA2 Ala3122Thr was not observed in approximately 6,500 individuals of European and African American ancestry in the NHLBI Exome Sequencing Project, suggesting it is not a common benign variant in these populations. Since Alanine and Threonine differ in polarity, charge, size or other properties, this is considered a non-conservative amino acid substitution. BRCA2 Ala3122Thr occurs at a position that is conserved in mammals and is located within the DNA binding domain (Yang 2002). In silico analyses are inconsistent regarding the effect this variant may have on protein structure and function, while classification by a multifactorial likelihood model suggests that this variant is likely not pathogenic (Whiley 2014). Based on currently available evidence, it is unclear whether BRCA2 Ala3122Thr is a pathogenic or benign variant. We consider it to be a variant of uncertain significance.

BRCAlab, Lund University
Classification: Uncertain significance for Breast-ovarian cancer, familial, susceptibility to, 2. Last evaluated: 2020-03-02. Review status: no assertion criteria provided. Collection method: clinical testing. Allele origin: germline. Affected: yes. Not counted in ClinVar's aggregate classification.

Counsyl
Classification: Likely benign for Breast-ovarian cancer, familial, susceptibility to, 2. Last evaluated: 2018-05-18. Review status: no assertion criteria provided. Collection method: clinical testing. Allele origin: unknown. Not counted in ClinVar's aggregate classification.

Department of Pathology and Laboratory Medicine, Sinai Health System
Classification: Likely benign for Malignant tumor of breast. Review status: no assertion criteria provided. Collection method: clinical testing. Allele origin: unknown. Affected: yes. Study: The Canadian Open Genetics Repository (COGR). Not counted in ClinVar's aggregate classification.
Comment: The BRCA2 p.Ala3122Thr variant was identified in 2 of 78 proband chromosomes (frequency: 0.03) from Moroccan individuals or families with early onset and familial breast/ovarian cancer (Tazzite 2012). A study using multifactorial likelihood analysis and/or bioinformatically-directed mRNA assays to assess the pathogenicity of BRCA1 or BRCA2 variants found the variant to be likely not pathogenic (Whiley 2014). The variant was identified in dbSNP (ID: rs587782313) â€šÃ„ÃºWith Uncertain significance alleleâ€šÃ„Ã¹, ClinVar (classified with conflicting interpretations of pathogenicity; submitters: likely benign by Invitae, Counsyl and Color; and uncertain significance by Ambry Genetics, GeneDx and Quest Diagnostics Nichols Institute San Juan Capistrano), LOVD 3.0, and UMD-LSDB (1x classified as 3-UV, co-occurring with pathogenic BRCA1 variant (c.212+3A>G). The variant was identified in control databases in 26 of 246088 chromosomes at a frequency of 0.0001 increasing the likelihood this could be a low frequency benign variant (Genome Aggregation Database Feb 27, 2017). It was observed in the following populations: Latino in 2 of 33550 chromosomes (freq: 0.00006), European Non-Finnish in 2 of 111596 chromosomes (freq: 0.00002), and South Asian in 22 of 30778 chromosomes (freq: 0.0007); it was not observed in the African, Other, Ashkenazi Jewish, East Asian, and European Finnish populations. The p.Ala3122 residue is conserved in mammals and computational analyses (PolyPhen-2, SIFT, AlignGVGD, BLOSUM, MutationTaster) provide inconsistent predictions regarding the impact to the protein; this information is not very predictive of pathogenicity. The variant occurs outside of the splicing consensus sequence and in silico or computational prediction software programs (SpliceSiteFinder, MaxEntScan, NNSPLICE, GeneSplicer) do not predict a difference in splicing. In summary, based on the above information the clinical significance of this variant cannot be determined with certainty at this time although we would lean towards a more benign role for this variant. This variant is classified as likely benign.

Literature cited by the submitters: PubMed 22425665 (cited by 3 submitters); PubMed 23697973 (cited by Women's Health and Genetics/Laboratory Corporation of America, LabCorp and Quest Diagnostics Nichols Institute San Juan Capistrano); PubMed 29116469 (cited by Women's Health and Genetics/Laboratory Corporation of America, LabCorp); PubMed 32438681 (cited by Women's Health and Genetics/Laboratory Corporation of America, LabCorp and Quest Diagnostics Nichols Institute San Juan Capistrano); PubMed 33471991 (cited by Women's Health and Genetics/Laboratory Corporation of America, LabCorp and Quest Diagnostics Nichols Institute San Juan Capistrano); PubMed 33067490 (cited by Women's Health and Genetics/Laboratory Corporation of America, LabCorp and Quest Diagnostics Nichols Institute San Juan Capistrano); PubMed 34242281 (cited by Women's Health and Genetics/Laboratory Corporation of America, LabCorp and Quest Diagnostics Nichols Institute San Juan Capistrano); PubMed 37262986 (cited by Women's Health and Genetics/Laboratory Corporation of America, LabCorp); PubMed 39402389 (cited by Women's Health and Genetics/Laboratory Corporation of America, LabCorp); PubMed 39451174 (cited by Women's Health and Genetics/Laboratory Corporation of America, LabCorp); PubMed 40714512 (cited by Women's Health and Genetics/Laboratory Corporation of America, LabCorp); PubMed 39733403 (cited by Women's Health and Genetics/Laboratory Corporation of America, LabCorp and Quest Diagnostics Nichols Institute San Juan Capistrano); PubMed 34326862 (cited by Quest Diagnostics Nichols Institute San Juan Capistrano); PubMed 18951461 (cited by Quest Diagnostics Nichols Institute San Juan Capistrano and Ambry Genetics); PubMed 21120943 (cited by 3 submitters); PubMed 24489791 (cited by 3 submitters); PubMed 26295337 (cited by Quest Diagnostics Nichols Institute San Juan Capistrano); PubMed 22678057 (cited by Ambry Genetics).